The following is an entry in ClinVar:

NM_004655.4(AXIN2):c.1652G>C (p.Cys551Ser)

Gene: AXIN2 (axin 2; minus strand). Cytogenetic location: 17q24.1.
Variant type: single nucleotide variant.
Coding change: c.1652G>C on transcript NM_004655.4 (MANE Select); coding-DNA position 1652, G replaced by C.
Protein change: p.Cys551Ser; replaces cysteine 551 with serine.
Molecular consequence: missense variant.
Genome position (GRCh38, 1-based): chr17:65,537,384, C>G on the plus strand (G>C on the coding strand, the complement: AXIN2 is on the minus strand). VCF-style: chr17-65537384-C-G. GRCh37 (hg19) VCF-style: chr17-63533502-C-G.
Other names: c.1652G>C, p.Cys551Ser (NM_001363813.1); short protein forms C551S.
Identifiers: ClinVar variation 2447026 (VCV002447026.5), dbSNP rs2144456886, ClinGen allele CA400676992.

ClinVar aggregate classification (germline): Uncertain significance. Review status: criteria provided, multiple submitters, no conflicts (2 of 4 stars). 2 submissions from 2 submitters: Uncertain significance (2). Last evaluated 2023-04-19.

Conditions:
Hereditary cancer-predisposing syndrome. Also called: Neoplastic Syndromes, Hereditary; Hereditary Cancer Syndrome; Tumor predisposition; Hereditary neoplastic syndrome. Identifiers: Orphanet 140162, MedGen C0027672, MeSH D009386, MONDO:0015356.
Oligodontia-cancer predisposition syndrome. Also called: TOOTH AGENESIS-COLORECTAL CANCER SYNDROME. Identifiers: Orphanet 300576, MedGen C1837750, MONDO:0012075, OMIM 608615. Disease mechanism: loss of function.

Allele frequency attached by ClinVar (database versions not stated): gnomAD exomes below 0.00001.
gnomAD v4.1: 2 of 1,614,080 alleles (0.00012%); highest among the groups gnomAD compares: Non-Finnish European, 0.00017%; no homozygotes.

Submissions (2):

Labcorp Genetics (formerly Invitae), Labcorp
Classification: Uncertain significance for Oligodontia-cancer predisposition syndrome. Last evaluated: 2023-04-19. Review status: criteria provided, single submitter. Criteria: Invitae Variant Classification Sherloc (09022015). Collection method: clinical testing. Allele origin: germline.
Comment: In summary, the available evidence is currently insufficient to determine the role of this variant in disease. Therefore, it has been classified as a Variant of Uncertain Significance. Advanced modeling of protein sequence and biophysical properties (such as structural, functional, and spatial information, amino acid conservation, physicochemical variation, residue mobility, and thermodynamic stability) performed at Invitae indicates that this missense variant is not expected to disrupt AXIN2 protein function. This variant has not been reported in the literature in individuals affected with AXIN2-related conditions. This variant is not present in population databases (gnomAD no frequency). This sequence change replaces cysteine, which is neutral and slightly polar, with serine, which is neutral and polar, at codon 551 of the AXIN2 protein (p.Cys551Ser).

Ambry Genetics
Classification: Uncertain significance for Hereditary cancer-predisposing syndrome. Last evaluated: 2023-01-01. Review status: criteria provided, single submitter. Criteria: Ambry Variant Classification Scheme 2023. Collection method: clinical testing. Allele origin: germline.
Comment: The p.C551S variant (also known as c.1652G>C), located in coding exon 5 of the AXIN2 gene, results from a G to C substitution at nucleotide position 1652. The cysteine at codon 551 is replaced by serine, an amino acid with dissimilar properties. This amino acid position is conserved. In addition, this alteration is predicted to be tolerated by in silico analysis. Since supporting evidence is limited at this time, the clinical significance of this alteration remains unclear.